The following is an entry in ClinVar:

NM_032830.3(UTP4):c.93G>A (p.Leu31=)

Gene: UTP4 (UTP4 small subunit processome component). Cytogenetic location: 16q22.1.
Variant type: single nucleotide variant.
Coding change: c.93G>A on transcript NM_032830.3 (MANE Select); coding-DNA position 93, G replaced by A.
Protein change: p.Leu31=; no amino-acid change (leucine 31 retained).
Molecular consequence: synonymous variant. On other transcripts: 5 prime UTR variant (1).
Genome position (GRCh38, 1-based): chr16:69,133,552, G>A. VCF-style: chr16-69133552-G-A. GRCh37 (hg19) VCF-style: chr16-69167455-G-A.
Other names: c.-157G>A (NM_001318391.2).
Identifiers: ClinVar variation 3348559 (VCV003348559.1).

ClinVar aggregate classification (germline): Likely benign (0 of 4 stars; one submission).

Conditions:
UTP4-related disorder. Also called: UTP4-related condition.

gnomAD v4.1: 4 of 1,614,012 alleles (0.00025%); highest among the groups gnomAD compares: South Asian, 0.0033%; no homozygotes.

Submission:

PreventionGenetics, part of Exact Sciences
Classification: Likely benign for UTP4-related condition. Last evaluated: 2024-03-24. Review status: no assertion criteria provided. Collection method: clinical testing. Allele origin: germline.
Comment: This variant is classified as likely benign based on ACMG/AMP sequence variant interpretation guidelines (Richards et al. 2015 PMID: 25741868, with internal and published modifications).